The following is an entry in ClinVar:

ClinVar aggregate classification (germline): Uncertain significance (1 of 4 stars; one submission).

Submission:

GeneDx
Classification: Uncertain significance. Last evaluated: 2024-07-17. Review status: criteria provided, single submitter. Criteria: GeneDx Variant Classification Process June 2021. Collection method: clinical testing. Allele origin: germline. Affected: yes.
Comment: Not observed at significant frequency in large population cohorts (gnomAD); In silico analysis supports that this missense variant has a deleterious effect on protein structure/function; Has not been previously published as pathogenic or benign to our knowledge

NM_000297.4(PKD2):c.2506T>C (p.Tyr836His)

Gene: PKD2 (polycystin 2, transient receptor potential cation channel; plus strand). Cytogenetic location: 4q22.1.
Variant type: single nucleotide variant.
Coding change: c.2506T>C on transcript NM_000297.4 (MANE Select); coding-DNA position 2506, T replaced by C.
Protein change: p.Tyr836His; replaces tyrosine 836 with histidine.
Molecular consequence: missense variant. On other transcripts: non-coding transcript variant (1).
Genome position (GRCh38, 1-based): chr4:88,068,045, T>C. VCF-style: chr4-88068045-T-C. GRCh37 (hg19) VCF-style: chr4-88989197-T-C.
Other names: short protein forms Y836H.
Identifiers: ClinVar variation 3573547 (VCV003573547.1).